The following is an entry in ClinVar:

NM_005530.3(IDH3A):c.875C>T (p.Thr292Met)

Gene: IDH3A (isocitrate dehydrogenase (NAD(+)) 3 catalytic subunit alpha; plus strand). Cytogenetic location: 15q25.1.
Variant type: single nucleotide variant.
Coding change: c.875C>T on transcript NM_005530.3 (MANE Select); coding-DNA position 875, C replaced by T.
Protein change: p.Thr292Met; replaces threonine 292 with methionine.
Molecular consequence: missense variant.
Genome position (GRCh38, 1-based): chr15:78,166,160, C>T. VCF-style: chr15-78166160-C-T. GRCh37 (hg19) VCF-style: chr15-78458502-C-T.
Other names: short protein forms T292M.
Identifiers: ClinVar variation 1374948 (VCV001374948.8), dbSNP rs1200905118, ClinGen allele CA393546120.
Genomic context (GRCh38, chr15:78,166,160, plus strand): 5'-CTGTTAGTTTTTGTCTCTCCCTTGATGATGCTACTTTTCCCGATGTGTAGGTTCATGGGA[C>T]GGCTCCAGACATTGCAGGCAAGGACATGGCGAATCCCACAGCCCTCCTGCTCAGTGCCGT-3'
Protein context (NP_005521.1, residues 282-302): GVAIFESVHG[Thr292Met]APDIAGKDMA

ClinVar aggregate classification (germline): Uncertain significance (1 of 4 stars; one submission).

Allele frequency attached by ClinVar (database versions not stated): gnomAD exomes below 0.00001; TOPMed below 0.00001.
gnomAD v4.1: 2 of 1,613,806 alleles (0.00012%); highest among the groups gnomAD compares: Admixed American, 0.0017%; no homozygotes.

Submission:

Labcorp Genetics (formerly Invitae), Labcorp
Classification: Uncertain significance. Last evaluated: 2024-02-24. Review status: criteria provided, single submitter. Criteria: Invitae Variant Classification Sherloc (09022015). Collection method: clinical testing. Allele origin: germline.
Comment: This sequence change replaces threonine, which is neutral and polar, with methionine, which is neutral and non-polar, at codon 292 of the IDH3A protein (p.Thr292Met). This variant is present in population databases (no rsID available, gnomAD 0.003%). This variant has not been reported in the literature in individuals affected with IDH3A-related conditions. ClinVar contains an entry for this variant (Variation ID: 1374948). Advanced modeling of protein sequence and biophysical properties (such as structural, functional, and spatial information, amino acid conservation, physicochemical variation, residue mobility, and thermodynamic stability) performed at Invitae indicates that this missense variant is expected to disrupt IDH3A protein function with a positive predictive value of 80%. In summary, the available evidence is currently insufficient to determine the role of this variant in disease. Therefore, it has been classified as a Variant of Uncertain Significance.